The following is an entry in ClinVar:

ClinVar aggregate classification (germline): Conflicting classifications of pathogenicity. Review status: criteria provided, conflicting classifications (1 of 4 stars). 8 submissions from 8 submitters: Uncertain significance (1); Benign (3); Likely benign (3). 1 of the submissions does not count toward it. Last evaluated 2026-02-02.

Conditions:
SMARCB1-related disorder. Also called: SMARCB1-related condition; SMARCB1-related disorders.
Hereditary cancer-predisposing syndrome. Also called: Tumor predisposition; Hereditary neoplastic syndrome; Hereditary Cancer Syndrome; Neoplastic Syndromes, Hereditary. Identifiers: Orphanet 140162, MedGen C0027672, MeSH D009386, MONDO:0015356.
SMARCB1-related schwannomatosis. Also called: Schwannomatosis 1; SWNTS1. Identifiers: Orphanet 93921, MedGen C4048809, MONDO:0024517, OMIM 162091. Disease mechanism: loss of function.

Allele frequency attached by ClinVar (database versions not stated): gnomAD 0.00108 and 0.00115; ESP Exome Variant Server 0.00115; TOPMed 0.00121; gnomAD exomes 0.00010 and 0.00028; ExAC 0.00033; 1000 Genomes Project 0.00040; 1000 Genomes Project 30x 0.00047.
gnomAD v4.1: 327 of 1,614,136 alleles (0.02%); highest among the groups gnomAD compares: African/African-American, 0.36%; no homozygotes.

Submissions (8):

Labcorp Genetics (formerly Invitae), Labcorp
Classification: Benign. Last evaluated: 2026-02-02. Review status: criteria provided, single submitter. Criteria: Invitae Variant Classification Sherloc (09022015). Collection method: clinical testing. Allele origin: germline.

CeGaT Center for Human Genetics Tuebingen
Classification: Likely benign. Last evaluated: 2025-11-01. Review status: criteria provided, single submitter. Criteria: CeGaT Center For Human Genetics Tuebingen Variant Classification Criteria Version 2. Collection method: clinical testing. Allele origin: germline. Affected: yes. Observed: 1 variant allele.
Comment: SMARCB1: BP4, BP7

KCCC/NGS Laboratory, Kuwait Cancer Control Center
Classification: Benign for SMARCB1-related schwannomatosis. Last evaluated: 2025-02-01. Review status: criteria provided, single submitter. Criteria: ACMG Guidelines, 2015. Collection method: clinical testing. Allele origin: germline. Affected: no.

Blueprint Genetics
Classification: Likely benign. Last evaluated: 2024-08-28. Review status: criteria provided, single submitter. Criteria: ACMG Guidelines, 2015. Collection method: clinical testing. Allele origin: germline.

Ambry Genetics
Classification: Likely benign for Hereditary cancer-predisposing syndrome. Last evaluated: 2023-10-23. Review status: criteria provided, single submitter. Criteria: Ambry Variant Classification Scheme 2023. Collection method: clinical testing. Allele origin: germline.

Sema4
Classification: Benign for Hereditary cancer-predisposing syndrome. Last evaluated: 2021-04-15. Review status: criteria provided, single submitter. Criteria: Sema4 Curation Guidelines. Collection method: curation. Allele origin: germline.

Eurofins Ntd Llc (ga)
Classification: Uncertain significance. Last evaluated: 2017-01-16. Review status: criteria provided, single submitter. Criteria: EGL Classification Definitions 2015. Collection method: clinical testing. Allele origin: germline. Observed: 1 variant allele, 1 heterozygote.

PreventionGenetics, part of Exact Sciences
Classification: Likely benign for SMARCB1-related condition. Last evaluated: 2019-07-08. Review status: no assertion criteria provided. Collection method: clinical testing. Allele origin: germline. Not counted in ClinVar's aggregate classification.
Comment: This variant is classified as likely benign based on ACMG/AMP sequence variant interpretation guidelines (Richards et al. 2015 PMID: 25741868, with internal and published modifications).

NM_003073.5(SMARCB1):c.444C>T (p.Ser148=)

Gene: SMARCB1 (SWI/SNF related BAF chromatin remodeling complex subunit B1; plus strand). Cytogenetic location: 22q11.23.
Variant type: single nucleotide variant.
Coding change: c.444C>T on transcript NM_003073.5 (MANE Select); coding-DNA position 444, C replaced by T.
Protein change: p.Ser148=; no amino-acid change (serine 148 retained).
Molecular consequence: synonymous variant.
Genome position (GRCh38, 1-based): chr22:23,801,025, C>T. VCF-style: chr22-23801025-C-T. GRCh37 (hg19) VCF-style: chr22-24143212-C-T.
Other names: c.444C>T (LRG_520t1, NM_003073.4); c.417C>T, p.Ser139= (NM_001007468.3, NM_001317946.2); c.444C>T, p.Ser148= (NM_001362877.2).
Identifiers: ClinVar variation 416324 (VCV000416324.31), dbSNP rs138184483, ClinGen allele CA10145918.